The following is an entry in ClinVar:

ClinVar aggregate classification (germline): Uncertain significance (1 of 4 stars; one submission).

Allele frequency attached by ClinVar (database versions not stated): gnomAD exomes below 0.00001.
gnomAD v4.1: 1 of 1,611,926 alleles (0.000062%); highest among the groups gnomAD compares: Non-Finnish European, 0.000085%; no homozygotes.

Submission:

Labcorp Genetics (formerly Invitae), Labcorp
Classification: Uncertain significance. Last evaluated: 2023-08-17. Review status: criteria provided, single submitter. Criteria: Invitae Variant Classification Sherloc (09022015). Collection method: clinical testing. Allele origin: germline.
Comment: This sequence change replaces alanine, which is neutral and non-polar, with serine, which is neutral and polar, at codon 724 of the KMT2B protein (p.Ala724Ser). This variant is not present in population databases (gnomAD no frequency). This variant has not been reported in the literature in individuals affected with KMT2B-related conditions. Advanced modeling of protein sequence and biophysical properties (such as structural, functional, and spatial information, amino acid conservation, physicochemical variation, residue mobility, and thermodynamic stability) performed at Invitae indicates that this missense variant is not expected to disrupt KMT2B protein function. In summary, the available evidence is currently insufficient to determine the role of this variant in disease. Therefore, it has been classified as a Variant of Uncertain Significance.

NM_014727.3(KMT2B):c.2170G>T (p.Ala724Ser)

Gene: KMT2B (lysine methyltransferase 2B; plus strand). Cytogenetic location: 19q13.12.
Variant type: single nucleotide variant.
Coding change: c.2170G>T on transcript NM_014727.3 (MANE Select); coding-DNA position 2170, G replaced by T.
Protein change: p.Ala724Ser; replaces alanine 724 with serine.
Molecular consequence: missense variant.
Genome position (GRCh38, 1-based): chr19:35,721,517, G>T. VCF-style: chr19-35721517-G-T. GRCh37 (hg19) VCF-style: chr19-36212419-G-T.
Other names: short protein forms A724S.
Identifiers: ClinVar variation 2802838 (VCV002802838.3), dbSNP rs1969207925, ClinGen allele CA405396810.